The following is an entry in ClinVar:

ClinVar aggregate classification (germline): Pathogenic/Likely pathogenic. Review status: criteria provided, multiple submitters, no conflicts (2 of 4 stars). 2 submissions from 2 submitters: Pathogenic (1); Likely pathogenic (1). Last evaluated 2024-05-23.

Conditions:
Cone dystrophy 4 (COD4). Identifiers: Orphanet 49382, MedGen C2751308, MONDO:0013129, OMIM 613093.

Submissions (2):

Labcorp Genetics (formerly Invitae), Labcorp
Classification: Likely pathogenic. Last evaluated: 2024-05-23. Review status: criteria provided, single submitter. Criteria: Invitae Variant Classification Sherloc (09022015). Collection method: clinical testing. Allele origin: germline.
Comment: This sequence change affects a donor splice site in intron 19 of the PDE6C gene. It is expected to disrupt RNA splicing. Variants that disrupt the donor or acceptor splice site typically lead to a loss of protein function (PMID: 16199547), and loss-of-function variants in PDE6C are known to be pathogenic (PMID: 19887631, 23776498, 26103963, 30080950). This variant is not present in population databases (gnomAD no frequency). This variant has not been reported in the literature in individuals affected with PDE6C-related conditions. ClinVar contains an entry for this variant (Variation ID: 1687312). Algorithms developed to predict the effect of sequence changes on RNA splicing suggest that this variant may disrupt the consensus splice site. In summary, the currently available evidence indicates that the variant is pathogenic, but additional data are needed to prove that conclusively. Therefore, this variant has been classified as Likely Pathogenic.

3billion
Classification: Pathogenic for Cone dystrophy 4. Last evaluated: 2022-05-22. Review status: criteria provided, single submitter. Criteria: ACMG Guidelines, 2015. Collection method: clinical testing. Allele origin: germline. Affected: yes. Observed: 1 heterozygote.
Comment: The variant is not observed in the gnomAD v2.1.1 dataset. Canonical splice site: predicted to alter splicing and result in a loss or disruption of normal protein function. Multiple pathogenic loss-of-function variants are reported downstream of the variant. Therefore, this variant is classified as pathogenic according to the recommendation of ACMG/AMP guideline.

Literature cited by the submitters: PubMed 16199547 (cited by Labcorp Genetics (formerly Invitae), Labcorp); PubMed 19887631 (cited by Labcorp Genetics (formerly Invitae), Labcorp); PubMed 23776498 (cited by Labcorp Genetics (formerly Invitae), Labcorp); PubMed 26103963 (cited by Labcorp Genetics (formerly Invitae), Labcorp); PubMed 30080950 (cited by Labcorp Genetics (formerly Invitae), Labcorp).

NM_006204.4(PDE6C):c.2283+1G>T

Gene: PDE6C (phosphodiesterase 6C; plus strand). Cytogenetic location: 10q23.33.
Variant type: single nucleotide variant.
Coding change: c.2283+1G>T on transcript NM_006204.4 (MANE Select); the canonical splice donor site of the intron after coding-DNA position 2283, G replaced by T.
Molecular consequence: splice donor variant.
Genome position (GRCh38, 1-based): chr10:93,662,134, G>T. VCF-style: chr10-93662134-G-T. GRCh37 (hg19) VCF-style: chr10-95421891-G-T.
Identifiers: ClinVar variation 1687312 (VCV001687312.3), dbSNP rs760343056, ClinGen allele CA377627731.